The following is an entry in ClinVar:

ClinVar aggregate classification (germline): Likely benign. Review status: criteria provided, multiple submitters, no conflicts (2 of 4 stars). 4 submissions from 4 submitters: Likely benign (3). 1 of the submissions does not count toward it. Last evaluated 2024-11-05.

Conditions:
COL1A1-related disorder. Also called: COL1A1- related disease; COL1A1-related condition.
Cardiovascular phenotype. Identifiers: MedGen CN230736.
Osteogenesis imperfecta type I (OI1). Also called: Lobstein disease; OI, TYPE I; OSTEOGENESIS IMPERFECTA TARDA; OSTEOGENESIS IMPERFECTA WITH BLUE SCLERAE; Classic Non-deforming Osteogenesis Imperfecta with Blue Sclerae; Osteogenesis imperfecta type 1. Identifiers: Orphanet 216796, Orphanet 666, MedGen C0023931, MONDO:0008146, OMIM 166200. Disease mechanism: loss of function.

Allele frequency attached by ClinVar (database versions not stated): ExAC below 0.00001; gnomAD 0.00001; gnomAD exomes 0.00001; TOPMed 0.00002.
gnomAD v4.1: 9 of 1,583,926 alleles (0.00057%); highest among the groups gnomAD compares: East Asian, 0.0023%; no homozygotes.

Submissions (4):

Blueprint Genetics
Classification: Likely benign. Last evaluated: 2024-11-05. Review status: criteria provided, single submitter. Criteria: ACMG Guidelines, 2015. Collection method: clinical testing. Allele origin: germline.

Labcorp Genetics (formerly Invitae), Labcorp
Classification: Likely benign for Osteogenesis imperfecta type I. Last evaluated: 2024-09-10. Review status: criteria provided, single submitter. Criteria: Invitae Variant Classification Sherloc (09022015). Collection method: clinical testing. Allele origin: germline.

Ambry Genetics
Classification: Likely benign for Cardiovascular phenotype. Last evaluated: 2021-06-23. Review status: criteria provided, single submitter. Criteria: Ambry Variant Classification Scheme 2023. Collection method: clinical testing. Allele origin: germline.

PreventionGenetics, part of Exact Sciences
Classification: Likely benign for COL1A1-related condition. Last evaluated: 2022-04-28. Review status: no assertion criteria provided. Collection method: clinical testing. Allele origin: germline. Not counted in ClinVar's aggregate classification.
Comment: This variant is classified as likely benign based on ACMG/AMP sequence variant interpretation guidelines (Richards et al. 2015 PMID: 25741868, with internal and published modifications).

NM_000088.4(COL1A1):c.3246C>T (p.Gly1082=)

Gene: COL1A1 (collagen type I alpha 1 chain; minus strand). Cytogenetic location: 17q21.33.
Variant type: single nucleotide variant.
Coding change: c.3246C>T on transcript NM_000088.4 (MANE Select); coding-DNA position 3246, C replaced by T.
Protein change: p.Gly1082=; no amino-acid change (glycine 1082 retained).
Molecular consequence: synonymous variant.
Genome position (GRCh38, 1-based): chr17:50,188,111, G>A on the plus strand (C>T on the coding strand, the complement: COL1A1 is on the minus strand). VCF-style: chr17-50188111-G-A. GRCh37 (hg19) VCF-style: chr17-48265472-G-A.
Identifiers: ClinVar variation 766907 (VCV000766907.14), dbSNP rs772906802, ClinGen allele CA8644514.
Genomic context (GRCh38, chr17:50,188,111, plus strand): 5'-ATCTGTAGAGTTCTAAAGGCATGGGGGACACAGCAGGGTACTTACGGCGGGGCCACGGGC[G>A]CCAACAGGGCCGACAGGACCGGCGGGACCAGCAGGACCCTGGGGAGAGCAAGGAAAGCAT-3'
Protein context (NP_000079.2, residues 1072-1092): AGPAGPVGPV[Gly1082=]ARGPAGPQGP